The following is an entry in ClinVar:

NM_006579.3(EBP):c.328C>T (p.Arg110Ter)

Gene: EBP (EBP cholestenol delta-isomerase; plus strand). Cytogenetic location: Xp11.23.
Variant type: single nucleotide variant.
Coding change: c.328C>T on transcript NM_006579.3 (MANE Select); coding-DNA position 328, C replaced by T.
Protein change: p.Arg110Ter; replaces arginine 110 with a stop codon.
Molecular consequence: nonsense.
Genome position (GRCh38, 1-based): chrX:48,527,015, C>T. VCF-style: chrX-48527015-C-T. GRCh37 (hg19) VCF-style: chrX-48385403-C-T.
Other names: short protein forms R110*.
Identifiers: ClinVar variation 158545 (VCV000158545.13), dbSNP rs587783613, ClinGen allele CA271471.

ClinVar aggregate classification (germline): Pathogenic. Review status: criteria provided, multiple submitters, no conflicts (2 of 4 stars). 2 submissions from 2 submitters: Pathogenic (2). Last evaluated 2021-06-01.

Conditions:
Chondrodysplasia punctata 2 X-linked dominant (CDPX2). Also called: Hunermann-Conradi Syndrome; CONRADI-HUNERMANN-HAPPLE SYNDROME; HAPPLE SYNDROME; EBP-Related X-Linked Chondrodysplasia Punctata. Identifiers: Orphanet 35173, MedGen C0282102, MONDO:0020603, OMIM 302960.

Submissions (2):

Labcorp Genetics (formerly Invitae), Labcorp
Classification: Pathogenic. Last evaluated: 2021-06-01. Review status: criteria provided, single submitter. Criteria: Invitae Variant Classification Sherloc (09022015). Collection method: clinical testing. Allele origin: germline.
Comment: This sequence change creates a premature translational stop signal (p.Arg110*) in the EBP gene. It is expected to result in an absent or disrupted protein product. Loss-of-function variants in EBP are known to be pathogenic (PMID: 10391218). This variant is not present in population databases (ExAC no frequency). This variant has been observed in individual(s) with chondrodysplasia punctata (PMID: 10710233, 17625999). This variant is also known as R110X. ClinVar contains an entry for this variant (Variation ID: 158545). For these reasons, this variant has been classified as Pathogenic.

Genetic Services Laboratory, University of Chicago
Classification: Pathogenic for Chondrodysplasia punctata, X-linked dominant. Last evaluated: 2013-02-08. Review status: criteria provided, single submitter. Criteria: ACMG Guidelines, 2007. Collection method: clinical testing. Allele origin: germline. Inheritance: X-linked inheritance. Affected: yes.

Literature cited by the submitters: PubMed 10391218 (cited by Labcorp Genetics (formerly Invitae), Labcorp); PubMed 10710233 (cited by Labcorp Genetics (formerly Invitae), Labcorp); PubMed 17625999 (cited by Labcorp Genetics (formerly Invitae), Labcorp).